The following is an entry in ClinVar:

NM_000016.6(ACADM):c.599+3A>G

Gene: ACADM (acyl-CoA dehydrogenase medium chain; plus strand). Cytogenetic location: 1p31.1.
Variant type: single nucleotide variant.
Coding change: c.599+3A>G on transcript NM_000016.6 (MANE Select); 3 bases into the intron after coding-DNA position 599, A replaced by G.
Molecular consequence: intron variant.
Genome position (GRCh38, 1-based): chr1:75,740,113, A>G. VCF-style: chr1-75740113-A-G. GRCh37 (hg19) VCF-style: chr1-76205798-A-G.
Other names: c.611+3A>G (NM_001127328.3); c.698+3A>G (NM_001286043.2); c.491+3A>G (NM_001286042.2); c.32+3A>G (NM_001286044.2).
Identifiers: ClinVar variation 438863 (VCV000438863.21), dbSNP rs375921211, ClinGen allele CA913143.
Genomic context (GRCh38, chr1:75,740,113, plus strand): 5'-ATGAGTATATTATTAATGGTCAGAAGATGTGGATAACCAACGGAGGAAAAGCTAATTGGT[A>G]TGTTGTTCAAAACATCTTTGTATATTTTTTCTTAATTGTTTTATCTTCAAATCTCTCTTT-3'

ClinVar aggregate classification (germline): Conflicting classifications of pathogenicity. Review status: criteria provided, conflicting classifications (1 of 4 stars). 9 submissions from 9 submitters: Pathogenic (1); Likely pathogenic (5); Uncertain significance (2). 1 of the submissions does not count toward it. Last evaluated 2026-07-08.

Conditions:
ACADM-related disorder. Also called: ACADM-related condition.
Medium-chain acyl-coenzyme A dehydrogenase deficiency (ACADMD). Also called: MCADD; ACADM DEFICIENCY; CARNITINE DEFICIENCY SECONDARY TO MEDIUM-CHAIN ACYL-CoA DEHYDROGENASE DEFICIENCY; MCAD Deficiency; MCADH DEFICIENCY; Medium chain acyl-CoA dehydrogenase deficiency. Identifiers: Orphanet 42, MedGen C0220710, MONDO:0008721, OMIM 201450.

Allele frequency attached by ClinVar (database versions not stated): gnomAD 0.00003; TOPMed 0.00003; gnomAD exomes 0.00006 and 0.00010; ExAC 0.00015; ESP Exome Variant Server 0.00015.
gnomAD v4.1: 93 of 1,608,454 alleles (0.0058%); highest among the groups gnomAD compares: Non-Finnish European, 0.0072%; no homozygotes.

Submissions (9):

Myriad Genetics, Inc.
Classification: Likely pathogenic for Medium-chain acyl-coenzyme A dehydrogenase deficiency. Last evaluated: 2026-07-08. Review status: criteria provided, single submitter. Criteria: Myriad Autosomal Dominant, Autosomal Recessive and X-Linked Classification Criteria (2023). Collection method: clinical testing. Allele origin: unknown.
Comment: NM_000016.4(ACADM):c.599+3A>G is an intronic variant classified as likely pathogenic in the context of medium-chain acyl-CoA dehydrogenase deficiency. c.599+3A>G has been observed in cases with relevant disease (PMID: 20434380, 30626930, 33580884, 41133698). Relevant functional assessments of this variant are not available in the literature. c.599+3A>G has been observed in referenced population frequency databases. In summary, NM_000016.4(ACADM):c.599+3A>G is an intronic variant that has been observed more frequently in cases with the relevant disease than in healthy populations. Please note: this variant was assessed in the context of healthy population screening.

Labcorp Genetics (formerly Invitae), Labcorp
Classification: Pathogenic for Medium-chain acyl-coenzyme A dehydrogenase deficiency. Last evaluated: 2025-12-26. Review status: criteria provided, single submitter. Criteria: Invitae Variant Classification Sherloc (09022015). Collection method: clinical testing. Allele origin: germline.
Comment: This sequence change falls in intron 7 of the ACADM gene. It does not directly change the encoded amino acid sequence of the ACADM protein. It affects a nucleotide within the consensus splice site. This variant is present in population databases (rs375921211, gnomAD 0.02%). This variant has been observed in individual(s) with MCAD deficiency (PMID: 20434380, 30626930; internal data). In at least one individual the data is consistent with being in trans (on the opposite chromosome) from a pathogenic variant. ClinVar contains an entry for this variant (Variation ID: 438863). Variants that disrupt the consensus splice site are a relatively common cause of aberrant splicing (PMID: 17576681, 9536098). Algorithms developed to predict the effect of sequence changes on RNA splicing suggest that this variant is not likely to affect RNA splicing. For these reasons, this variant has been classified as Pathogenic.

Natera, Inc.
Classification: Likely pathogenic for Medium Chain Acyl-CoA Dehydrogenase Deficiency. Last evaluated: 2025-10-24. Review status: criteria provided, single submitter. Criteria: Natera Variant Classification Schema (03/2026). Collection method: clinical testing. Allele origin: germline.
Comment: The c.599+3A>G variant in ACADM is an intronic variant located outside the canonical splice sites. This variant is rare in the general population with a frequency below the threshold expected for the associated phenotype(s). This variant has been observed in one or more individuals affected with the associated recessive disease, as either homozygous or compound heterozygous with a second variant (PMID: 20434380). Computational prediction algorithms indicate this variant is likely to affect gene or protein function. Given the available evidence, this variant is classified as Likely Pathogenic.

Baylor Genetics
Classification: Likely pathogenic for Medium-chain acyl-coenzyme A dehydrogenase deficiency. Last evaluated: 2024-03-27. Review status: criteria provided, single submitter. Criteria: ACMG Guidelines, 2015. Collection method: clinical testing. Allele origin: unknown.

Fulgent Genetics
Classification: Likely pathogenic for Medium-chain acyl-coenzyme A dehydrogenase deficiency. Last evaluated: 2024-03-27. Review status: criteria provided, single submitter. Criteria: ACMG Guidelines, 2015. Collection method: clinical testing. Allele origin: germline.

Department of Pathology and Laboratory Medicine, Sinai Health System
Classification: Likely pathogenic for Medium-chain acyl-coenzyme A dehydrogenase deficiency. Last evaluated: 2022-11-08. Review status: criteria provided, single submitter. Criteria: ACMG Guidelines, 2015. Collection method: research. Allele origin: germline.

GeneDx
Classification: Uncertain significance. Last evaluated: 2019-11-25. Review status: criteria provided, single submitter. Criteria: GeneDx Variant Classification Process June 2021. Collection method: clinical testing. Allele origin: germline. Affected: yes.
Comment: In-silico analysis, which includes splice predictors and evolutionary conservation, is inconclusive as to whether the variant alters gene splicing. In the absence of RNA/functional studies, the actual effect of this sequence change is unknown.; This variant is associated with the following publications: (PMID: 20434380, 30626930)

Quest Diagnostics Nichols Institute San Juan Capistrano
Classification: Uncertain significance. Last evaluated: 2017-01-10. Review status: criteria provided, single submitter. Criteria: Quest Diagnostics criteria. Collection method: clinical testing. Allele origin: germline.

PreventionGenetics, part of Exact Sciences
Classification: Uncertain significance for ACADM-related condition. Last evaluated: 2024-07-11. Review status: no assertion criteria provided. Collection method: clinical testing. Allele origin: germline. Not counted in ClinVar's aggregate classification.
Comment: The ACADM c.599+3A>G variant is predicted to interfere with splicing. This variant has been reported in two individuals with biochemical markers consistent with medium-chain acyl-CoA dehydrogenase deficiency. In both cases, the variant was found in addition to a known ACADM pathogenic variant (c.985A>G and c.1102_1105del) (Navarrete et al 2019. PubMed ID: 30626930; Smith et al. 2010. PubMed ID: 20434380). This variant is reported in 0.019% of alleles in individuals of European (non-Finnish) descent in gnomAD. Although we suspect that this variant may be pathogenic, at this time, the clinical significance of this variant is uncertain due to the absence of conclusive functional and genetic evidence.

Literature cited by the submitters: PubMed 20434380 (cited by 4 submitters); PubMed 30626930 (cited by Myriad Genetics, Inc. and Labcorp Genetics (formerly Invitae), Labcorp); PubMed 33580884 (cited by Myriad Genetics, Inc.); PubMed 41133698 (cited by Myriad Genetics, Inc.); PubMed 17576681 (cited by Labcorp Genetics (formerly Invitae), Labcorp); PubMed 9536098 (cited by Labcorp Genetics (formerly Invitae), Labcorp).